The following is an entry in ClinVar:

ClinVar aggregate classification (germline): Pathogenic (1 of 4 stars; one submission).

Conditions:
Neurofibromatosis, type 1 (NF1). Also called: VON RECKLINGHAUSEN DISEASE; NEUROFIBROMATOSIS, TYPE I, SOMATIC; Peripheral type neurofibromatosis; Neurofibromatosis, type I. Identifiers: Orphanet 636, MedGen C0027831, MONDO:0018975, OMIM 162200. Disease mechanism: loss of function.

Submission:

Myriad Genetics, Inc.
Classification: Pathogenic for Neurofibromatosis, type 1. Last evaluated: 2026-07-21. Review status: criteria provided, single submitter. Criteria: Myriad Autosomal Dominant, Autosomal Recessive and X-Linked Classification Criteria (2023). Collection method: clinical testing. Allele origin: unknown.
Comment: This variant is considered pathogenic. This variant creates a frameshift predicted to result in premature protein truncation.

NM_001042492.3(NF1):c.3951del (p.Ser1318fs)

Gene: NF1 (neurofibromin 1; plus strand). Cytogenetic location: 17q11.2.
Variant type: Deletion.
Coding change: c.3951del on transcript NM_001042492.3 (MANE Select); coding-DNA position 3951, one base deleted (T; older notation c.3951delT).
Protein change: p.Ser1318fs; shifts the reading frame from serine 1318.
Molecular consequence: frameshift variant.
Genome position (GRCh38, 1-based): chr17:31,235,998, T deleted; the last of 2 consecutive T bases (chr17:31,235,997-31,235,998); deleting either gives the same sequence. VCF-style (leftmost placement, unchanged base first): chr17-31235996-GT-G. GRCh37 (hg19) VCF-style: chr17-29563014-GT-G.
Other names: c.3951del, p.Ser1318fs (NM_000267.4); short protein forms S1318fs.
Identifiers: ClinVar variation 5042218 (VCV005042218.1).